The following is an entry in ClinVar:

NM_001379451.1(BCORL1):c.1596C>G (p.Ser532=)

Gene: BCORL1 (BCL6 corepressor like 1; plus strand). Cytogenetic location: Xq26.1.
Variant type: single nucleotide variant.
Coding change: c.1596C>G on transcript NM_001379451.1 (MANE Select); coding-DNA position 1596, C replaced by G.
Protein change: p.Ser532=; no amino-acid change (serine 532 retained).
Molecular consequence: synonymous variant.
Genome position (GRCh38, 1-based): chrX:130,014,368, C>G. VCF-style: chrX-130014368-C-G. GRCh37 (hg19) VCF-style: chrX-129148344-C-G.
Other names: c.1596C>G, p.Ser532= (NM_001184772.3, NM_001379450.1, NM_021946.5).
Identifiers: ClinVar variation 3388856 (VCV003388856.14).
Genomic context (GRCh38, chrX:130,014,368, plus strand): 5'-GACTTCGGATTCCAAGCTGGTATCTCTGGAGGTGAACAGGCTCCCCTGCACTTCCCCATC[C>G]GGTAGCACCACCACCCAGCCTGCACCCGATGGGGTCCCTGGGCCTTTGGCAGATACCTCC-3'
Protein context (NP_001366380.1, residues 522-542): EVNRLPCTSP[Ser532=]GSTTTQPAPD

ClinVar aggregate classification (germline): Likely benign (1 of 4 stars; one submission).

Submission:

CeGaT Center for Human Genetics Tuebingen
Classification: Likely benign. Last evaluated: 2024-11-01. Review status: criteria provided, single submitter. Criteria: CeGaT Center For Human Genetics Tuebingen Variant Classification Criteria Version 2. Collection method: clinical testing. Allele origin: germline. Affected: yes. Observed: 1 variant allele.
Comment: BCORL1: PM2:Supporting, BP4, BP7